The following is an entry in ClinVar:

NM_017760.7(NCAPG2):c.44T>C (p.Leu15Pro)

Gene: NCAPG2 (non-SMC condensin II complex subunit G2; minus strand). Cytogenetic location: 7q36.3.
Variant type: single nucleotide variant.
Coding change: c.44T>C on transcript NM_017760.7 (MANE Select); coding-DNA position 44, T replaced by C.
Protein change: p.Leu15Pro; replaces leucine 15 with proline.
Molecular consequence: missense variant. On other transcripts: non-coding transcript variant (1).
Genome position (GRCh38, 1-based): chr7:158,701,856, A>G on the plus strand (T>C on the coding strand, the complement: NCAPG2 is on the minus strand). VCF-style: chr7-158701856-A-G. GRCh37 (hg19) VCF-style: chr7-158494547-A-G.
Other names: c.44T>C, p.Leu15Pro (NM_001281932.2, NM_001281933.2); c.44T>C (NM_017760.5); short protein forms L15P.
Identifiers: ClinVar variation 1049805 (VCV001049805.4), dbSNP rs201943203, ClinGen allele CA4593232.

ClinVar aggregate classification (germline): Uncertain significance. Review status: criteria provided, single submitter (1 of 4 stars). 2 submissions from 2 submitters: Uncertain significance (1). 1 of the submissions does not count toward it. Last evaluated 2025-08-20.

Allele frequency attached by ClinVar (database versions not stated): gnomAD 0.00001; gnomAD exomes 0.00002 and 0.00003; TOPMed 0.00004; ExAC 0.00006; ESP Exome Variant Server 0.00025.
gnomAD v4.1: 44 of 1,613,682 alleles (0.0027%); highest among the groups gnomAD compares: Non-Finnish European, 0.0035%; no homozygotes.

Submissions (2):

Ambry Genetics
Classification: Uncertain significance. Last evaluated: 2025-08-20. Review status: criteria provided, single submitter. Criteria: Ambry Variant Classification Scheme 2023. Collection method: clinical testing. Allele origin: germline.

Department of Pathology and Laboratory Medicine, Sinai Health System
Classification: Uncertain significance. Review status: no assertion criteria provided. Collection method: clinical testing. Allele origin: unknown. Affected: yes. Study: The Canadian Open Genetics Repository (COGR). Not counted in ClinVar's aggregate classification.
Comment: The NCAPG2 p.Leu15Pro variant was not identified in the literature nor was it identified in ClinVar or LOVD 3.0. The variant was identified in dbSNP (ID: rs201943203) and in control databases in 6 of 248934 chromosomes at a frequency of 0.0000241 (Genome Aggregation Database March 6, 2019, v2.1.1). The variant was observed in the following populations: African in 1 of 15480 chromosomes (freq: 0.000065), European (non-Finnish) in 4 of 113144 chromosomes (freq: 0.000035) and Latino in 1 of 34322 chromosomes (freq: 0.000029), but was not observed in the Ashkenazi Jewish, East Asian, European (Finnish), Other, or South Asian populations. The p.Leu15 residue is not conserved in mammals and computational analyses (PolyPhen-2, SIFT, AlignGVGD, BLOSUM, MutationTaster) provide inconsistent predictions regarding the impact to the protein; this information is not very predictive of pathogenicity. The variant occurs outside of the splicing consensus sequence and in silico or computational prediction software programs (SpliceSiteFinder, MaxEntScan, NNSPLICE, GeneSplicer) do not predict a difference in splicing. In summary, based on the above information the clinical significance of this variant cannot be determined with certainty at this time. This variant is classified as a variant of uncertain significance.